The following is an entry in ClinVar:

ClinVar aggregate classification (germline): Benign/Likely benign. Review status: criteria provided, multiple submitters, no conflicts (2 of 4 stars). 5 submissions from 5 submitters: Benign (2); Likely benign (2). 1 of the submissions does not count toward it. Last evaluated 2025-10-06.

Conditions:
PDYN-related disorder. Also called: PDYN-related condition.

Allele frequency attached by ClinVar (database versions not stated): gnomAD exomes 0.00026 and 0.00061; ExAC 0.00064; 1000 Genomes Project 30x 0.00234; gnomAD 0.00237 and 0.00258; 1000 Genomes Project 0.00240; TOPMed 0.00276; ESP Exome Variant Server 0.00315.
gnomAD v4.1: 768 of 1,613,786 alleles (0.048%); highest among the groups gnomAD compares: African/African-American, 0.78%; 3 homozygotes.

Submissions (5):

Labcorp Genetics (formerly Invitae), Labcorp
Classification: Likely benign. Last evaluated: 2025-10-06. Review status: criteria provided, single submitter. Criteria: Invitae Variant Classification Sherloc (09022015). Collection method: clinical testing. Allele origin: germline.

Athena Diagnostics
Classification: Benign. Last evaluated: 2025-09-19. Review status: criteria provided, single submitter. Criteria: Athena Diagnostics Criteria. Collection method: clinical testing. Allele origin: unknown.
Comment: The frequency of this variant in the general population is higher than would generally be expected for pathogenic variants in this gene. This variant has been seen where an alternate explanation for disease was also identified.

Blueprint Genetics
Classification: Likely benign. Last evaluated: 2024-09-04. Review status: criteria provided, single submitter. Criteria: ACMG Guidelines, 2015. Collection method: clinical testing. Allele origin: germline.

Mayo Clinic Laboratories, Mayo Clinic
Classification: Benign. Last evaluated: 2020-02-04. Review status: criteria provided, single submitter. Criteria: ACMG Guidelines, 2015. Collection method: clinical testing. Allele origin: germline. Observed: 3 variant alleles.

PreventionGenetics, part of Exact Sciences
Classification: Benign for PDYN-related condition. Last evaluated: 2019-02-21. Review status: no assertion criteria provided. Collection method: clinical testing. Allele origin: germline. Not counted in ClinVar's aggregate classification.
Comment: This variant is classified as benign based on ACMG/AMP sequence variant interpretation guidelines (Richards et al. 2015 PMID: 25741868, with internal and published modifications).

Literature cited by the submitters: PubMed 22287014 (cited by Athena Diagnostics).

NM_024411.5(PDYN):c.121A>G (p.Asn41Asp)

Genes: PDYN (prodynorphin; minus strand), PDYN-AS1 (PDYN antisense RNA 1; plus strand). Cytogenetic location: 20p13.
Variant type: single nucleotide variant.
Coding change: c.121A>G on transcript NM_024411.5 (MANE Select); coding-DNA position 121, A replaced by G.
Protein change: p.Asn41Asp; replaces asparagine 41 with aspartic acid.
Molecular consequence: missense variant.
Genome position (GRCh38, 1-based): chr20:1,982,964, T>C on the plus strand (A>G on the coding strand, the complement: PDYN is on the minus strand). VCF-style: chr20-1982964-T-C. GRCh37 (hg19) VCF-style: chr20-1963610-T-C.
Other names: c.121A>G, p.Asn41Asp (NM_001190892.1, NM_001190898.3, NM_001190899.2 and 1 more transcripts); short protein forms N41D.
Identifiers: ClinVar variation 447928 (VCV000447928.17), dbSNP rs59191035, ClinGen allele CA9730379.